The following is an entry in ClinVar:

ClinVar aggregate classification (germline): Uncertain significance (1 of 4 stars; one submission).

Submission:

Ambry Genetics
Classification: Uncertain significance. Last evaluated: 2024-12-14. Review status: criteria provided, single submitter. Criteria: Ambry Variant Classification Scheme 2023. Collection method: clinical testing. Allele origin: germline.
Comment: The p.M39V variant (also known as c.115A>G), located in coding exon 2 of the NEBL gene, results from an A to G substitution at nucleotide position 115. The methionine at codon 39 is replaced by valine, an amino acid with highly similar properties. This amino acid position is conserved. In addition, the in silico prediction for this alteration is inconclusive. Based on the available evidence, the clinical significance of this variant remains unclear.

NM_006393.3(NEBL):c.115A>G (p.Met39Val)

Gene: NEBL (nebulette; minus strand). Cytogenetic location: 10p12.31.
Variant type: single nucleotide variant.
Coding change: c.115A>G on transcript NM_006393.3 (MANE Select); coding-DNA position 115, A replaced by G.
Protein change: p.Met39Val; replaces methionine 39 with valine.
Molecular consequence: missense variant. On other transcripts: intron variant (9).
Genome position (GRCh38, 1-based): chr10:20,896,996, T>C on the plus strand (A>G on the coding strand, the complement: NEBL is on the minus strand). VCF-style: chr10-20896996-T-C. GRCh37 (hg19) VCF-style: chr10-21185925-T-C.
Other names: c.249+64676A>G (NM_001377326.1, NM_001377327.1, NM_001377328.1); c.357+64676A>G (NM_213569.2, NM_001173484.2, NM_001377322.1); c.300+64676A>G (NM_001377324.1); c.291+64676A>G (NM_001377325.1); c.309+64676A>G (NM_001377323.1); short protein forms M39V.
Identifiers: ClinVar variation 3878611 (VCV003878611.1).